The following is an entry in ClinVar:

ClinVar aggregate classification (germline): Uncertain significance (1 of 4 stars; one submission).

Submission:

GeneDx
Classification: Uncertain significance. Last evaluated: 2023-10-25. Review status: criteria provided, single submitter. Criteria: GeneDx Variant Classification Process June 2021. Collection method: clinical testing. Allele origin: germline. Affected: yes.
Comment: Not observed at significant frequency in large population cohorts (gnomAD); Frameshift variant predicted to result in protein truncation or nonsense mediated decay in a gene or region of a gene for which loss of function is not a well-established mechanism of disease; Has not been previously published as pathogenic or benign to our knowledge

NM_012470.4(TNPO3):c.1038del (p.Trp346fs)

Gene: TNPO3 (transportin 3; minus strand). Cytogenetic location: 7q32.1.
Variant type: Deletion.
Coding change: c.1038del on transcript NM_012470.4 (MANE Select); coding-DNA position 1038, one base deleted (G; older notation c.1038delG).
Protein change: p.Trp346fs; shifts the reading frame from tryptophan 346.
Molecular consequence: frameshift variant. On other transcripts: non-coding transcript variant (17), intron variant (1).
Genome position (GRCh38, 1-based): chr7:128,997,509, C deleted on the plus strand (G on the coding strand, the reverse complement: TNPO3 is on the minus strand); the first of 2 consecutive C bases (chr7:128,997,509-128,997,510); deleting either gives the same sequence. VCF-style (leftmost placement, unchanged base first): chr7-128997508-AC-A. GRCh37 (hg19) VCF-style: chr7-128637562-AC-A.
Other names: c.1038del, p.Trp346fs (NM_001191028.3, NM_001382216.1, NM_001382218.1 and 3 more transcripts); c.1119del, p.Trp373fs (NM_001382217.1); c.894del, p.Trp298fs (NM_001382221.1); c.1011+2920del (NM_001382222.1); short protein forms W298fs, W346fs, W373fs.
Identifiers: ClinVar variation 3363540 (VCV003363540.1).